The following is an entry in ClinVar:

ClinVar aggregate classification (germline): Uncertain significance (1 of 4 stars; one submission).

Allele frequency attached by ClinVar (database versions not stated): gnomAD 0.00001.
gnomAD v4.1: 1 of 1,607,912 alleles (0.000062%); highest among the groups gnomAD compares: Non-Finnish European, 0.000085%; no homozygotes.

Submission:

Ambry Genetics
Classification: Uncertain significance. Last evaluated: 2024-11-16. Review status: criteria provided, single submitter. Criteria: Ambry Variant Classification Scheme 2023. Collection method: clinical testing. Allele origin: germline.
Comment: The p.L401P variant (also known as c.1202T>C), located in coding exon 8 of the POLQ gene, results from a T to C substitution at nucleotide position 1202. The leucine at codon 401 is replaced by proline, an amino acid with similar properties. This amino acid position is conserved. In addition, the in silico prediction for this alteration is inconclusive. Since supporting evidence is limited at this time, the clinical significance of this alteration remains unclear.

NM_199420.4(POLQ):c.1202T>C (p.Leu401Pro)

Gene: POLQ (DNA polymerase theta; minus strand). Cytogenetic location: 3q13.33.
Variant type: single nucleotide variant.
Coding change: c.1202T>C on transcript NM_199420.4 (MANE Select); coding-DNA position 1202, T replaced by C.
Protein change: p.Leu401Pro; replaces leucine 401 with proline.
Molecular consequence: missense variant.
Genome position (GRCh38, 1-based): chr3:121,522,056, A>G on the plus strand (T>C on the coding strand, the complement: POLQ is on the minus strand). VCF-style: chr3-121522056-A-G. GRCh37 (hg19) VCF-style: chr3-121240903-A-G.
Other names: short protein forms L401P.
Identifiers: ClinVar variation 1747965 (VCV001747965.3), dbSNP rs926956110, ClinGen allele CA81856716.